The following is an entry in ClinVar:

NM_147127.5(EVC2):c.2929C>T (p.Arg977Trp)

Gene: EVC2 (EvC ciliary complex subunit 2; minus strand). Cytogenetic location: 4p16.2.
Variant type: single nucleotide variant.
Coding change: c.2929C>T on transcript NM_147127.5 (MANE Select); coding-DNA position 2929, C replaced by T.
Protein change: p.Arg977Trp; replaces arginine 977 with tryptophan.
Molecular consequence: missense variant.
Genome position (GRCh38, 1-based): chr4:5,584,751, G>A on the plus strand (C>T on the coding strand, the complement: EVC2 is on the minus strand). VCF-style: chr4-5584751-G-A. GRCh37 (hg19) VCF-style: chr4-5586478-G-A.
Other names: c.2689C>T, p.Arg897Trp (NM_001166136.2); c.2929C>T (NM_147127.4); short protein forms R897W, R977W.
Identifiers: ClinVar variation 1961680 (VCV001961680.4), dbSNP rs140316127, ClinGen allele CA2834519.

ClinVar aggregate classification (germline): Uncertain significance. Review status: criteria provided, multiple submitters, no conflicts (2 of 4 stars). 2 submissions from 2 submitters: Uncertain significance (2). Last evaluated 2025-04-25.

Conditions:
Inborn genetic diseases. Identifiers: MedGen C0950123, MeSH D030342.
Ellis-van Creveld syndrome (EVC). Also called: EVC-Related Ellis-van Creveld Syndrome; EVC2-Related Ellis-van Creveld Syndrome; MESOECTODERMAL DYSPLASIA; Chondroectodermal dysplasia. Identifiers: Orphanet 289, MedGen C0013903, MONDO:0009162, OMIM 225500.
Curry-Hall syndrome (WAD). Also called: WEYERS ACRODENTAL DYSOSTOSIS. Identifiers: Orphanet 952, MedGen C0457013, MONDO:0008673, OMIM 193530.

Allele frequency attached by ClinVar (database versions not stated): ExAC 0.00006; gnomAD 0.00013; TOPMed 0.00015; ESP Exome Variant Server 0.00023.
gnomAD v4.1: 94 of 1,613,982 alleles (0.0058%); highest among the groups gnomAD compares: African/African-American, 0.033%; no homozygotes.

Submissions (2):

Ambry Genetics
Classification: Uncertain significance for Inborn genetic diseases. Last evaluated: 2025-04-25. Review status: criteria provided, single submitter. Criteria: Ambry Variant Classification Scheme 2023. Collection method: clinical testing. Allele origin: germline.

Labcorp Genetics (formerly Invitae), Labcorp
Classification: Uncertain significance for Curry-Hall syndrome; Ellis-van Creveld syndrome. Last evaluated: 2025-03-31. Review status: criteria provided, single submitter. Criteria: Invitae Variant Classification Sherloc (09022015). Collection method: clinical testing. Allele origin: germline.
Comment: This sequence change replaces arginine, which is basic and polar, with tryptophan, which is neutral and slightly polar, at codon 977 of the EVC2 protein (p.Arg977Trp). This variant is present in population databases (rs140316127, gnomAD 0.04%). This variant has not been reported in the literature in individuals affected with EVC2-related conditions. ClinVar contains an entry for this variant (Variation ID: 1961680). An algorithm developed to predict the effect of missense changes on protein structure and function (PolyPhen-2) suggests that this variant is likely to be disruptive. In summary, the available evidence is currently insufficient to determine the role of this variant in disease. Therefore, it has been classified as a Variant of Uncertain Significance.